The following is an entry in ClinVar:

NM_145691.4(ATPAF2):c.705G>A (p.Leu235=)

Gene: ATPAF2 (ATP synthase mitochondrial F1 complex assembly factor 2; minus strand). Cytogenetic location: 17p11.2.
Variant type: single nucleotide variant.
Coding change: c.705G>A on transcript NM_145691.4 (MANE Select); coding-DNA position 705, G replaced by A.
Protein change: p.Leu235=; no amino-acid change (leucine 235 retained).
Molecular consequence: synonymous variant.
Genome position (GRCh38, 1-based): chr17:18,021,150, C>T on the plus strand (G>A on the coding strand, the complement: ATPAF2 is on the minus strand). VCF-style: chr17-18021150-C-T. GRCh37 (hg19) VCF-style: chr17-17924464-C-T.
Identifiers: ClinVar variation 388879 (VCV000388879.1), dbSNP rs1057523261, ClinGen allele CA16607177.

ClinVar aggregate classification (germline): Likely benign (1 of 4 stars; one submission).

Allele frequency attached by ClinVar (database versions not stated): gnomAD exomes below 0.00001.
gnomAD v4.1: 1 of 1,613,976 alleles (0.000062%); highest among the groups gnomAD compares: Admixed American, 0.0017%; no homozygotes.

Submission:

GeneDx
Classification: Likely benign. Last evaluated: 2016-09-07. Review status: criteria provided, single submitter. Criteria: GeneDx Variant Classification (06012015). Collection method: clinical testing. Allele origin: germline. Affected: yes.
Comment: This variant is considered likely benign or benign based on one or more of the following criteria: it is a conservative change, it occurs at a poorly conserved position in the protein, it is predicted to be benign by multiple in silico algorithms, and/or has population frequency not consistent with disease.